The following is an entry in ClinVar:

ClinVar aggregate classification (germline): Pathogenic (1 of 4 stars; one submission).

Conditions:
Zellweger spectrum disorders (ZS). Also called: Zellweger Spectrum Disorder; Zellweger Spectrum; Zellweger syndrome; Zellweger Spectrum Disorder (ZSD). Identifiers: Orphanet 912, MedGen C0043459, MONDO:0019609.

Submission:

Labcorp Genetics (formerly Invitae), Labcorp
Classification: Pathogenic for Zellweger spectrum disorders. Last evaluated: 2019-11-29. Review status: criteria provided, single submitter. Criteria: Invitae Variant Classification Sherloc (09022015). Collection method: clinical testing. Allele origin: germline.
Comment: For these reasons, this variant has been classified as Pathogenic. Loss-of-function variants in PEX1 are known to be pathogenic (PMID: 9398847, 16086329, 16141001, 21031596). This variant has not been reported in the literature in individuals with PEX1-related conditions. This variant is not present in population databases (ExAC no frequency). This sequence change creates a premature translational stop signal (p.Ser606*) in the PEX1 gene. It is expected to result in an absent or disrupted protein product.

Literature cited by the submitters: PubMed 9398847; PubMed 16086329; PubMed 16141001; PubMed 21031596.

NM_000466.3(PEX1):c.1817C>G (p.Ser606Ter)

Gene: PEX1 (peroxisomal biogenesis factor 1; minus strand). Cytogenetic location: 7q21.2.
Variant type: single nucleotide variant.
Coding change: c.1817C>G on transcript NM_000466.3 (MANE Select); coding-DNA position 1817, C replaced by G.
Protein change: p.Ser606Ter; replaces serine 606 with a stop codon.
Molecular consequence: nonsense.
Genome position (GRCh38, 1-based): chr7:92,506,331, G>C on the plus strand (C>G on the coding strand, the complement: PEX1 is on the minus strand). VCF-style: chr7-92506331-G-C. GRCh37 (hg19) VCF-style: chr7-92135645-G-C.
Other names: c.1817C>G, p.Ser606Ter (NM_001282677.2); c.1193C>G, p.Ser398Ter (NM_001282678.2); short protein forms S398*, S606*.
Identifiers: ClinVar variation 844762 (VCV000844762.7), dbSNP rs1792186595, ClinGen allele CA368185381.